The following is an entry in ClinVar:

NM_000180.4(GUCY2D):c.*24+2T>G

Gene: GUCY2D (guanylate cyclase 2D, retinal; plus strand). Cytogenetic location: 17p13.1.
Variant type: single nucleotide variant.
Coding change: c.*24+2T>G on transcript NM_000180.4 (MANE Select); the canonical splice donor site of the intron after 24 bases downstream of the stop codon, T replaced by G.
Molecular consequence: splice donor variant.
Genome position (GRCh38, 1-based): chr17:8,016,556, T>G. VCF-style: chr17-8016556-T-G. GRCh37 (hg19) VCF-style: chr17-7919874-T-G.
Identifiers: ClinVar variation 3251742 (VCV003251742.1), dbSNP rs1173124615.

ClinVar aggregate classification (germline): Uncertain significance (1 of 4 stars; one submission).

Allele frequency attached by ClinVar (database versions not stated): gnomAD exomes 0.00001; gnomAD 0.00003; TOPMed 0.00003.
gnomAD v4.1: 11 of 1,444,322 alleles (0.00076%); highest among the groups gnomAD compares: East Asian, 0.027%; no homozygotes.

Submission:

Women's Health and Genetics/Laboratory Corporation of America, LabCorp
Classification: Uncertain significance. Last evaluated: 2024-04-24. Review status: criteria provided, single submitter. Criteria: LabCorp Variant Classification Summary - May 2015. Collection method: clinical testing. Allele origin: germline.
Comment: Variant summary: GUCY2D c.*24+2T>G is located in a canonical splice-site and is predicted to affect mRNA splicing resulting in a significantly altered protein due to either exon skipping, shortening, or inclusion of intronic material. Several computational tools predict a significant impact on normal splicing: Four predict the variant abolishes a 5' splicing donor site. However, these predictions have yet to be confirmed by functional studies. The variant allele was found at a frequency of 3.6e-05 in 140538 control chromosomes (gnomAD). The available data on variant occurrences in the general population are insufficient to allow any conclusion about variant significance. c.*24+2T>G has been reported in the literature in a heterozygous individual affected with cone-rod dystrophy without a second variant found in trans (Chen_2021). This report does not provide unequivocal conclusions about association of the variant with Leber Congenital Amaurosis. To our knowledge, no experimental evidence demonstrating an impact on protein function has been reported. The following publication has been ascertained in the context of this evaluation (PMID: 33608557). No submitters have cited clinical-significance assessments for this variant to ClinVar. Based on the evidence outlined above, the variant was classified as uncertain significance.

Literature cited by the submitters: PubMed 33608557.